The following is an entry in ClinVar:

ClinVar aggregate classification (germline): Likely benign. Review status: criteria provided, multiple submitters, no conflicts (2 of 4 stars). 5 submissions from 5 submitters: Likely benign (4). 1 of the submissions does not count toward it. Last evaluated 2025-11-28.

Conditions:
Cardiovascular phenotype. Identifiers: MedGen CN230736.
MYH6-related disorder. Also called: MYH6-Related Disorders; MYH6-related condition.
Cardiomyopathy (CMYO). Also called: Cardiomyopathies. Identifiers: Orphanet 167848, MedGen C0878544, MONDO:0004994, HP:0001638. Inheritance: Various modes of inheritance.
Hypertrophic cardiomyopathy 14. Identifiers: MedGen C2750467, MONDO:0013197, OMIM 613251.

Allele frequency attached by ClinVar (database versions not stated): TOPMed 0.00002; ESP Exome Variant Server 0.00008.
gnomAD v4.1: 61 of 1,610,258 alleles (0.0038%); highest among the groups gnomAD compares: South Asian, 0.0077%; no homozygotes.

Submissions (5):

Labcorp Genetics (formerly Invitae), Labcorp
Classification: Likely benign for Hypertrophic cardiomyopathy 14. Last evaluated: 2025-11-28. Review status: criteria provided, single submitter. Criteria: Invitae Variant Classification Sherloc (09022015). Collection method: clinical testing. Allele origin: germline.

GeneDx
Classification: Likely benign. Last evaluated: 2020-02-06. Review status: criteria provided, single submitter. Criteria: GeneDx Variant Classification Process June 2021. Collection method: clinical testing. Allele origin: germline. Affected: yes.

Ambry Genetics
Classification: Likely benign for Cardiovascular phenotype. Last evaluated: 2019-03-16. Review status: criteria provided, single submitter. Criteria: Ambry Variant Classification Scheme 2023. Collection method: clinical testing. Allele origin: germline.

CHEO Genetics Diagnostic Laboratory, Children's Hospital of Eastern Ontario
Classification: Likely benign for Cardiomyopathy. Last evaluated: 2018-03-27. Review status: criteria provided, single submitter. Criteria: ACMG Guidelines, 2015. Collection method: clinical testing. Allele origin: germline.

PreventionGenetics, part of Exact Sciences
Classification: Likely benign for MYH6-related condition. Last evaluated: 2019-08-28. Review status: no assertion criteria provided. Collection method: clinical testing. Allele origin: germline. Not counted in ClinVar's aggregate classification.
Comment: This variant is classified as likely benign based on ACMG/AMP sequence variant interpretation guidelines (Richards et al. 2015 PMID: 25741868, with internal and published modifications).

NM_002471.4(MYH6):c.4665C>T (p.His1555=)

Genes: MYH6 (myosin heavy chain 6; minus strand), LOC126861896 (BRD4-independent group 4 enhancer GRCh37_chr14:23854904-23856103; plus strand). Cytogenetic location: 14q11.2.
Variant type: single nucleotide variant.
Coding change: c.4665C>T on transcript NM_002471.4 (MANE Select); coding-DNA position 4665, C replaced by T.
Protein change: p.His1555=; no amino-acid change (histidine 1555 retained).
Molecular consequence: synonymous variant.
Genome position (GRCh38, 1-based): chr14:23,386,609, G>A on the plus strand (C>T on the coding strand, the complement: MYH6 is on the minus strand). VCF-style: chr14-23386609-G-A. GRCh37 (hg19) VCF-style: chr14-23855818-G-A.
Identifiers: ClinVar variation 681096 (VCV000681096.16), dbSNP rs373888186, ClinGen allele CA7114672.